The following is an entry in ClinVar:

ClinVar aggregate classification (germline): Uncertain significance (1 of 4 stars; one submission).

Conditions:
Inborn genetic diseases. Identifiers: MedGen C0950123, MeSH D030342.

Submission:

Ambry Genetics
Classification: Uncertain significance for Inborn genetic diseases. Last evaluated: 2025-07-14. Review status: criteria provided, single submitter. Criteria: Ambry Variant Classification Scheme 2023. Collection method: clinical testing. Allele origin: germline.
Comment: The p.S768I variant (also known as c.2303G>T), located in coding exon 8 of the MECOM gene, results from a G to T substitution at nucleotide position 2303. The serine at codon 768 is replaced by isoleucine, an amino acid with dissimilar properties. This amino acid position is conserved. In addition, this alteration is predicted to be tolerated by in silico analysis. Based on the available evidence, the clinical significance of this variant remains unclear.

NM_004991.4(MECOM):c.2303G>T (p.Ser768Ile)

Gene: MECOM (MDS1 and EVI1 complex locus; minus strand). Cytogenetic location: 3q26.2.
Variant type: single nucleotide variant.
Coding change: c.2303G>T on transcript NM_004991.4 (MANE Select); coding-DNA position 2303, G replaced by T.
Protein change: p.Ser768Ile; replaces serine 768 with isoleucine.
Molecular consequence: missense variant.
Genome position (GRCh38, 1-based): chr3:169,115,569, C>A on the plus strand (G>T on the coding strand, the complement: MECOM is on the minus strand). VCF-style: chr3-169115569-C-A. GRCh37 (hg19) VCF-style: chr3-168833357-C-A.
Other names: c.1934G>T, p.Ser645Ile (NM_001105077.4); c.1739G>T, p.Ser580Ile (NM_001105078.4, NM_001164000.2, NM_001205194.2 and 4 more transcripts); c.1742G>T, p.Ser581Ile (NM_001163999.2, NM_001366467.2, NM_001366468.2 and 1 more transcripts); c.2303G>T, p.Ser768Ile (NM_001366466.2); c.1331G>T, p.Ser444Ile (NM_001366473.2); c.767G>T, p.Ser256Ile (NM_001366474.2); short protein forms S581I, S768I, S444I, S580I, S645I, S256I.
Identifiers: ClinVar variation 4105770 (VCV004105770.1).